The following is an entry in ClinVar:

NM_001005242.3(PKP2):c.1491del (p.Asp498fs)

Gene: PKP2 (plakophilin 2; minus strand). Cytogenetic location: 12p11.21.
Variant type: Deletion.
Coding change: c.1491del on transcript NM_001005242.3 (MANE Select); coding-DNA position 1491, one base deleted (A; older notation c.1491delA).
Protein change: p.Asp498fs; shifts the reading frame from aspartic acid 498.
Molecular consequence: frameshift variant.
Genome position (GRCh38, 1-based): chr12:32,841,093, T deleted on the plus strand (A on the coding strand, the reverse complement: PKP2 is on the minus strand). VCF-style (leftmost placement, unchanged base first): chr12-32841092-CT-C. GRCh37 (hg19) VCF-style: chr12-32994026-CT-C.
Other names: c.1491delA, p.Asp498Thrfs (NM_001407155.1, NM_001407156.1, NM_001407161.1); c.1623delA, p.Asp542Thrfs (NM_001407157.1); c.1164delA, p.Asp389Thrfs (NM_001407158.1, NM_001407159.1, NM_001407160.1 and 1 more transcripts); c.1623del, p.Asp542fs (NM_004572.4); short protein forms D542fs, D498fs.
Identifiers: ClinVar variation 2125448 (VCV002125448.4), dbSNP rs2541264915, ClinGen allele CA2580085384.

ClinVar aggregate classification (germline): Pathogenic (1 of 4 stars; one submission).

Conditions:
Arrhythmogenic right ventricular dysplasia 9 (ARVD9). Also called: Arrhythmogenic Right Ventricular Dysplasia/Cardiomyopathy 9; ARRHYTHMOGENIC RIGHT VENTRICULAR DYSPLASIA, FAMILIAL, 9. Identifiers: MedGen C1836906, MONDO:0012180, OMIM 609040.

Submission:

Labcorp Genetics (formerly Invitae), Labcorp
Classification: Pathogenic for Arrhythmogenic right ventricular dysplasia 9. Last evaluated: 2022-04-12. Review status: criteria provided, single submitter. Criteria: Invitae Variant Classification Sherloc (09022015). Collection method: clinical testing. Allele origin: germline.
Comment: For these reasons, this variant has been classified as Pathogenic. This variant has not been reported in the literature in individuals affected with PKP2-related conditions. This variant is not present in population databases (gnomAD no frequency). This sequence change creates a premature translational stop signal (p.Asp542Thrfs*21) in the PKP2 gene. It is expected to result in an absent or disrupted protein product. Loss-of-function variants in PKP2 are known to be pathogenic (PMID: 15489853, 23911551).

Literature cited by the submitters: PubMed 15489853; PubMed 23911551.